The following is an entry in ClinVar:

NM_006939.4(SOS2):c.3076-264G>A

Gene: SOS2 (SOS Ras/Rho guanine nucleotide exchange factor 2; minus strand). Cytogenetic location: 14q21.3.
Variant type: single nucleotide variant.
Coding change: c.3076-264G>A on transcript NM_006939.4 (MANE Select); 264 bases into the intron before coding-DNA position 3076, G replaced by A.
Molecular consequence: intron variant.
Genome position (GRCh38, 1-based): chr14:50,131,026, C>T on the plus strand (G>A on the coding strand, the complement: SOS2 is on the minus strand). VCF-style: chr14-50131026-C-T. GRCh37 (hg19) VCF-style: chr14-50597744-C-T.
Identifiers: ClinVar variation 561943 (VCV000561943.1), dbSNP rs147840816, ClinGen allele CA260714349.

ClinVar aggregate classification (germline): Likely benign (1 of 4 stars; one submission).

Allele frequency attached by ClinVar (database versions not stated): 1000 Genomes Project 0.00359; 1000 Genomes Project 30x 0.00359; gnomAD 0.00367 and 0.00396; TOPMed 0.00416.
gnomAD v4.1: 552 of 152,188 alleles (0.36%); highest among the groups gnomAD compares: African/African-American, 1.3%; 4 homozygotes.

Submission:

GeneDx
Classification: Likely benign. Last evaluated: 2018-06-19. Review status: criteria provided, single submitter. Criteria: GeneDx Variant Classification (06012015). Collection method: clinical testing. Allele origin: germline. Affected: yes.
Comment: This variant is considered likely benign or benign based on one or more of the following criteria: it is a conservative change, it occurs at a poorly conserved position in the protein, it is predicted to be benign by multiple in silico algorithms, and/or has population frequency not consistent with disease.